The following is an entry in ClinVar:

NM_004385.5(VCAN):c.7462A>G (p.Met2488Val)

Genes: VCAN (versican; plus strand), VCAN-AS1 (VCAN antisense RNA 1; minus strand). Cytogenetic location: 5q14.3.
Variant type: single nucleotide variant.
Coding change: c.7462A>G on transcript NM_004385.5 (MANE Select); coding-DNA position 7462, A replaced by G.
Protein change: p.Met2488Val; replaces methionine 2488 with valine.
Molecular consequence: missense variant. On other transcripts: intron variant (2).
Genome position (GRCh38, 1-based): chr5:83,540,465, A>G. VCF-style: chr5-83540465-A-G. GRCh37 (hg19) VCF-style: chr5-82836284-A-G.
Other names: c.4501A>G, p.Met1501Val (NM_001164097.2); c.4004-5072A>G (NM_001164098.2); c.1043-5072A>G (NM_001126336.3); short protein forms M1501V, M2488V.
Identifiers: ClinVar variation 1330399 (VCV001330399.14), dbSNP rs2112447405, ClinGen allele CA360314785.
Genomic context (GRCh38, chr5:83,540,465, plus strand): 5'-CATCCTGAGGTGCCAAGCGCTAAAGCTGTTACTGCTGATGGATTCCCAACAGTTTCAGTG[A>G]TGCTGCCTCTTCATTCAGAGCAGAACAAAAGCTCCCCTGATCCAACTAGCACACTGTCAA-3'
Protein context (NP_004376.2, residues 2478-2498): TADGFPTVSV[Met2488Val]LPLHSEQNKS

ClinVar aggregate classification (germline): Uncertain significance. Review status: criteria provided, multiple submitters, no conflicts (2 of 4 stars). 2 submissions from 2 submitters: Uncertain significance (2). Last evaluated 2021-11-30.

Conditions:
Wagner disease. Also called: Wagner Vitreoretinal Degeneration (Wagner Synrdome); WAGNER VITREORETINOPATHY; WAGNER SYNDROME 1; HYALOIDEORETINAL DEGENERATION OF WAGNER; WAGNER VITREORETINAL DEGENERATION; Wagner syndrome. Identifiers: Orphanet 898, MedGen C1840452, MONDO:0007740, OMIM 143200.

Allele frequency attached by ClinVar (database versions not stated): gnomAD exomes below 0.00001.
gnomAD v4.1: 6 of 1,613,974 alleles (0.00037%); highest among the groups gnomAD compares: Non-Finnish European, 0.00042%; no homozygotes.

Submissions (2):

ARUP Laboratories, Molecular Genetics and Genomics, ARUP Laboratories
Classification: Uncertain significance for Wagner disease. Last evaluated: 2021-11-30. Review status: criteria provided, single submitter. Criteria: ARUP Molecular Germline Variant Investigation Process 2021. Collection method: clinical testing. Allele origin: germline.
Comment: The c.7462A>G, p.Met2488Val variant, to our knowledge, is not reported in the medical literature or gene specific databases. Given the lack of clinical and functional data, the significance of the variant is uncertain at this time.

Labcorp Genetics (formerly Invitae), Labcorp
Classification: Uncertain significance. Last evaluated: 2021-04-13. Review status: criteria provided, single submitter. Criteria: Invitae Variant Classification Sherloc (09022015). Collection method: clinical testing. Allele origin: germline.
Comment: In summary, the available evidence is currently insufficient to determine the role of this variant in disease. Therefore, it has been classified as a Variant of Uncertain Significance. Algorithms developed to predict the effect of missense changes on protein structure and function output the following: SIFT: "Tolerated"; PolyPhen-2: "Benign"; Align-GVGD: "Class C0". The valine amino acid residue is found in multiple mammalian species, suggesting that this missense change does not adversely affect protein function. These predictions have not been confirmed by published functional studies and their clinical significance is uncertain. This variant has not been reported in the literature in individuals with VCAN-related conditions. This variant is not present in population databases (ExAC no frequency). This sequence change replaces methionine with valine at codon 2488 of the VCAN protein (p.Met2488Val). The methionine residue is moderately conserved and there is a small physicochemical difference between methionine and valine.